The following is an entry in ClinVar:

NM_016938.5(EFEMP2):c.1105T>C (p.Tyr369His)

Gene: EFEMP2 (EGF-like fibulin extracellular matrix protein 2; minus strand). Cytogenetic location: 11q13.1.
Variant type: single nucleotide variant.
Coding change: c.1105T>C on transcript NM_016938.5 (MANE Select); coding-DNA position 1105, T replaced by C.
Protein change: p.Tyr369His; replaces tyrosine 369 with histidine.
Molecular consequence: missense variant. On other transcripts: non-coding transcript variant (1).
Genome position (GRCh38, 1-based): chr11:65,867,926, A>G on the plus strand (T>C on the coding strand, the complement: EFEMP2 is on the minus strand). VCF-style: chr11-65867926-A-G. GRCh37 (hg19) VCF-style: chr11-65635397-A-G.
Other names: short protein forms Y369H.
Identifiers: ClinVar variation 540025 (VCV000540025.5), dbSNP rs373485109, ClinGen allele CA6110408.

ClinVar aggregate classification (germline): Uncertain significance. Review status: criteria provided, multiple submitters, no conflicts (2 of 4 stars). 2 submissions from 2 submitters: Uncertain significance (2). Last evaluated 2024-06-14.

Conditions:
Cutis laxa, autosomal recessive, type 1B (ARCL1B). Also called: CUTIS LAXA, AUTOSOMAL RECESSIVE, TYPE IB; EFEMP2-Related Cutis Laxa. Identifiers: Orphanet 90349, MedGen C3280798, MONDO:0013754, OMIM 614437. Disease mechanism: loss of function.
Cardiovascular phenotype. Identifiers: MedGen CN230736.

Allele frequency attached by ClinVar (database versions not stated): TOPMed below 0.00001; ExAC 0.00001; gnomAD 0.00001; gnomAD exomes 0.00001 and 0.00003; ESP Exome Variant Server 0.00008.
gnomAD v4.1: 16 of 1,614,046 alleles (0.00099%); highest among the groups gnomAD compares: Non-Finnish European, 0.0014%; no homozygotes.

Submissions (2):

Ambry Genetics
Classification: Uncertain significance for Cardiovascular phenotype. Last evaluated: 2024-06-14. Review status: criteria provided, single submitter. Criteria: Ambry Variant Classification Scheme 2023. Collection method: clinical testing. Allele origin: germline.
Comment: The p.Y369H variant (also known as c.1105T>C), located in coding exon 9 of the EFEMP2 gene, results from a T to C substitution at nucleotide position 1105. The tyrosine at codon 369 is replaced by histidine, an amino acid with similar properties. This amino acid position is conserved. In addition, the in silico prediction for this alteration is inconclusive. Based on the available evidence, the clinical significance of this variant remains unclear.

Labcorp Genetics (formerly Invitae), Labcorp
Classification: Uncertain significance for Cutis laxa, autosomal recessive, type 1B. Last evaluated: 2022-08-16. Review status: criteria provided, single submitter. Criteria: Invitae Variant Classification Sherloc (09022015). Collection method: clinical testing. Allele origin: germline.
Comment: This sequence change replaces tyrosine, which is neutral and polar, with histidine, which is basic and polar, at codon 369 of the EFEMP2 protein (p.Tyr369His). This variant is present in population databases (rs373485109, gnomAD 0.002%). This variant has not been reported in the literature in individuals affected with EFEMP2-related conditions. ClinVar contains an entry for this variant (Variation ID: 540025). Algorithms developed to predict the effect of missense changes on protein structure and function are either unavailable or do not agree on the potential impact of this missense change (SIFT: "Deleterious"; PolyPhen-2: "Benign"; Align-GVGD: "Class C65"). In summary, the available evidence is currently insufficient to determine the role of this variant in disease. Therefore, it has been classified as a Variant of Uncertain Significance.